The following is an entry in ClinVar:

NM_002519.3(NPAT):c.584G>T (p.Gly195Val)

Gene: NPAT (nuclear protein, coactivator of histone transcription; minus strand). Cytogenetic location: 11q22.3.
Variant type: single nucleotide variant.
Coding change: c.584G>T on transcript NM_002519.3 (MANE Select); coding-DNA position 584, G replaced by T.
Protein change: p.Gly195Val; replaces glycine 195 with valine.
Molecular consequence: missense variant.
Genome position (GRCh38, 1-based): chr11:108,188,152, C>A on the plus strand (G>T on the coding strand, the complement: NPAT is on the minus strand). VCF-style: chr11-108188152-C-A. GRCh37 (hg19) VCF-style: chr11-108058879-C-A.
Other names: c.584G>T, p.Gly195Val (NM_001321307.1); short protein forms G195V.
Identifiers: ClinVar variation 1750071 (VCV001750071.5), dbSNP rs541439673, ClinGen allele CA6264259.
Genomic context (GRCh38, chr11:108,188,152, plus strand): 5'-ATTTACCTTTTGCGTCTACCGGGAGACATTAAACTGGCATGTGCTTTCTTTTCCTGAGCA[C>A]CAGGAATGACATTTAAAGCTTCTCCAGCTGTATTTCAAGAAAACATAACAGTAAGCCAAA-3'
Protein context (NP_002510.2, residues 185-205): TTGEALNVIP[Gly195Val]AQEKKAHASL

ClinVar aggregate classification (germline): Uncertain significance. Review status: criteria provided, multiple submitters, no conflicts (2 of 4 stars). 2 submissions from 2 submitters: Uncertain significance (2). Last evaluated 2023-11-07.

Allele frequency attached by ClinVar (database versions not stated): TOPMed below 0.00001; ExAC 0.00002; 1000 Genomes Project 30x 0.00016; 1000 Genomes Project 0.00020.
gnomAD v4.1: 20 of 1,612,438 alleles (0.0012%); highest among the groups gnomAD compares: South Asian, 0.021%; no homozygotes.

Submissions (2):

Labcorp Genetics (formerly Invitae), Labcorp
Classification: Uncertain significance. Last evaluated: 2023-11-07. Review status: criteria provided, single submitter. Criteria: Invitae Variant Classification Sherloc (09022015). Collection method: clinical testing. Allele origin: germline.
Comment: This sequence change replaces glycine, which is neutral and non-polar, with valine, which is neutral and non-polar, at codon 195 of the NPAT protein (p.Gly195Val). This variant is present in population databases (rs541439673, gnomAD 0.02%). This variant has not been reported in the literature in individuals affected with NPAT-related conditions. ClinVar contains an entry for this variant (Variation ID: 1750071). Algorithms developed to predict the effect of missense changes on protein structure and function output the following: SIFT: "Not Available"; PolyPhen-2: "Benign"; Align-GVGD: "Not Available". The valine amino acid residue is found in multiple mammalian species, which suggests that this missense change does not adversely affect protein function. In summary, the available evidence is currently insufficient to determine the role of this variant in disease. Therefore, it has been classified as a Variant of Uncertain Significance.

Ambry Genetics
Classification: Uncertain significance. Last evaluated: 2021-10-29. Review status: criteria provided, single submitter. Criteria: Ambry Variant Classification Scheme 2023. Collection method: clinical testing. Allele origin: germline.
Comment: The p.G195V variant (also known as c.584G>T), located in coding exon 7 of the NPAT gene, results from a G to T substitution at nucleotide position 584. The glycine at codon 195 is replaced by valine, an amino acid with dissimilar properties. This amino acid position is conserved. In addition, this alteration is predicted to be tolerated by in silico analysis. Since supporting evidence is limited at this time, the clinical significance of this alteration remains unclear.